The following is an entry in ClinVar:

ClinVar aggregate classification (germline): Uncertain significance. Review status: criteria provided, multiple submitters, no conflicts (2 of 4 stars). 2 submissions from 2 submitters: Uncertain significance (2). Last evaluated 2025-08-03.

Conditions:
Hereditary cancer-predisposing syndrome. Also called: Hereditary Cancer Syndrome; Neoplastic Syndromes, Hereditary; Tumor predisposition; Hereditary neoplastic syndrome. Identifiers: Orphanet 140162, MedGen C0027672, MeSH D009386, MONDO:0015356.
Fanconi anemia complementation group J. Also called: BRIP1-Related Fanconi Anemia. Identifiers: Orphanet 84, MedGen C1836860, MONDO:0012187, OMIM 609054.
Familial cancer of breast. Also called: Hereditary breast cancer; hereditary breast carcinoma; BREAST CANCER, FAMILIAL. Identifiers: Orphanet 227535, MedGen C0346153, MONDO:0016419, OMIM 114480. Disease mechanism: loss of function.

gnomAD v4.1: 1 of 1,608,508 alleles (0.000062%); no homozygotes.

Submissions (2):

Labcorp Genetics (formerly Invitae), Labcorp
Classification: Uncertain significance for Familial cancer of breast; Fanconi anemia complementation group J. Last evaluated: 2025-08-03. Review status: criteria provided, single submitter. Criteria: Invitae Variant Classification Sherloc (09022015). Collection method: clinical testing. Allele origin: germline.
Comment: This sequence change replaces proline, which is neutral and non-polar, with arginine, which is basic and polar, at codon 812 of the BRIP1 protein (p.Pro812Arg). This variant is not present in population databases (gnomAD no frequency). This variant has not been reported in the literature in individuals affected with BRIP1-related conditions. ClinVar contains an entry for this variant (Variation ID: 231863). Invitae Evidence Modeling of protein sequence and biophysical properties (such as structural, functional, and spatial information, amino acid conservation, physicochemical variation, residue mobility, and thermodynamic stability) has been performed for this missense variant. However, the output from this modeling did not meet the statistical confidence thresholds required to predict the impact of this variant on BRIP1 protein function. In summary, the available evidence is currently insufficient to determine the role of this variant in disease. Therefore, it has been classified as a Variant of Uncertain Significance.

Ambry Genetics
Classification: Uncertain significance for Hereditary cancer-predisposing syndrome. Last evaluated: 2023-12-07. Review status: criteria provided, single submitter. Criteria: Ambry Variant Classification Scheme 2023. Collection method: clinical testing. Allele origin: germline.
Comment: The p.P812R variant (also known as c.2435C>G), located in coding exon 16 of the BRIP1 gene, results from a C to G substitution at nucleotide position 2435. The proline at codon 812 is replaced by arginine, an amino acid with dissimilar properties. This amino acid position is well conserved in available vertebrate species. In addition, the in silico prediction for this alteration is inconclusive. Since supporting evidence is limited at this time, the clinical significance of this alteration remains unclear.

NM_032043.3(BRIP1):c.2435C>G (p.Pro812Arg)

Gene: BRIP1 (BRCA1 interacting DNA helicase 1; minus strand). Cytogenetic location: 17q23.2.
Variant type: single nucleotide variant.
Coding change: c.2435C>G on transcript NM_032043.3 (MANE Select); coding-DNA position 2435, C replaced by G.
Protein change: p.Pro812Arg; replaces proline 812 with arginine.
Molecular consequence: missense variant.
Genome position (GRCh38, 1-based): chr17:61,716,008, G>C on the plus strand (C>G on the coding strand, the complement: BRIP1 is on the minus strand). VCF-style: chr17-61716008-G-C. GRCh37 (hg19) VCF-style: chr17-59793369-G-C.
Other names: short protein forms P812R.
Identifiers: ClinVar variation 231863 (VCV000231863.8), dbSNP rs876659410, ClinGen allele CA10580804.
Genomic context (GRCh38, chr17:61,716,008, plus strand): 5'-TACCTACCAAGGGCCTGGTTTAAGGCCCTGTATGCTTGAATTTCATACCACTGACGGCCA[G>C]GTAGAAGACCTCTCAATTTTGAATGGTGGTCATTGTATTGTCGTTTTAGTTCAACCTAAT-3'
Protein context (NP_114432.2, residues 802-822): DHHSKLRGLL[Pro812Arg]GRQWYEIQAY